The following is an entry in ClinVar:

ClinVar aggregate classification (germline): Uncertain significance (1 of 4 stars; one submission).

gnomAD v4.1: 1 of 1,613,712 alleles (0.000062%); highest among the groups gnomAD compares: Non-Finnish European, 0.000085%; no homozygotes.

Submission:

Labcorp Genetics (formerly Invitae), Labcorp
Classification: Uncertain significance. Last evaluated: 2024-02-17. Review status: criteria provided, single submitter. Criteria: Invitae Variant Classification Sherloc (09022015). Collection method: clinical testing. Allele origin: germline.
Comment: This sequence change replaces isoleucine, which is neutral and non-polar, with methionine, which is neutral and non-polar, at codon 137 of the DEAF1 protein (p.Ile137Met). This variant is not present in population databases (gnomAD no frequency). This variant has not been reported in the literature in individuals affected with DEAF1-related conditions. ClinVar contains an entry for this variant (Variation ID: 2162532). Advanced modeling of protein sequence and biophysical properties (such as structural, functional, and spatial information, amino acid conservation, physicochemical variation, residue mobility, and thermodynamic stability) has been performed at Invitae for this missense variant, however the output from this modeling did not meet the statistical confidence thresholds required to predict the impact of this variant on DEAF1 protein function. In summary, the available evidence is currently insufficient to determine the role of this variant in disease. Therefore, it has been classified as a Variant of Uncertain Significance.

NM_021008.4(DEAF1):c.411C>G (p.Ile137Met)

Gene: DEAF1 (DEAF1 transcription factor; minus strand). Cytogenetic location: 11p15.5.
Variant type: single nucleotide variant.
Coding change: c.411C>G on transcript NM_021008.4 (MANE Select); coding-DNA position 411, C replaced by G.
Protein change: p.Ile137Met; replaces isoleucine 137 with methionine.
Molecular consequence: missense variant. On other transcripts: 5 prime UTR variant (1).
Genome position (GRCh38, 1-based): chr11:688,437, G>C on the plus strand (C>G on the coding strand, the complement: DEAF1 is on the minus strand). VCF-style: chr11-688437-G-C. GRCh37 (hg19) VCF-style: chr11-688437-G-C.
Other names: c.411C>G, p.Ile137Met (NM_001293634.2); c.-316C>G (NM_001367390.1); short protein forms I137M.
Identifiers: ClinVar variation 2162532 (VCV002162532.4), dbSNP rs373131091, ClinGen allele CA378935996.